The following is an entry in ClinVar:

NM_001318734.2(KLC2):c.1401C>T (p.Ala467=)

Gene: KLC2 (kinesin light chain 2; plus strand). Cytogenetic location: 11q13.2.
Variant type: single nucleotide variant.
Coding change: c.1401C>T on transcript NM_001318734.2 (MANE Select); coding-DNA position 1401, C replaced by T.
Protein change: p.Ala467=; no amino-acid change (alanine 467 retained).
Molecular consequence: synonymous variant.
Genome position (GRCh38, 1-based): chr11:66,265,721, C>T. VCF-style: chr11-66265721-C-T. GRCh37 (hg19) VCF-style: chr11-66033192-C-T.
Other names: c.1170C>T, p.Ala390= (NM_001134774.2); c.1401C>T, p.Ala467= (NM_001134775.2, NM_001134776.2, NM_022822.3).
Identifiers: ClinVar variation 2641985 (VCV002641985.24), dbSNP rs991860275, ClinGen allele CA224030640.
Genomic context (GRCh38, chr11:66,265,721, plus strand): 5'-AGTCAACACCACCCTGCGCAGCTTGGGGGCCCTATACCGGCGCCAGGGCAAGCTGGAAGC[C>T]GCGCACACACTAGAGGACTGTGCCAGCCGTAACCGCAAGCAGGTGGGGCTCCATGCAGGA-3'
Protein context (NP_001305663.1, residues 457-477): ALYRRQGKLE[Ala467=]AHTLEDCASR

ClinVar aggregate classification (germline): Likely benign (1 of 4 stars; one submission).

gnomAD v4.1: 8 of 1,613,846 alleles (0.0005%); highest among the groups gnomAD compares: East Asian, 0.0045%; no homozygotes.

Submission:

CeGaT Center for Human Genetics Tuebingen
Classification: Likely benign. Last evaluated: 2023-10-01. Review status: criteria provided, single submitter. Criteria: CeGaT Center For Human Genetics Tuebingen Variant Classification Criteria Version 2. Collection method: clinical testing. Allele origin: germline. Affected: yes. Observed: 1 variant allele.
Comment: KLC2: PM2:Supporting, BP4, BP7